The following is an entry in ClinVar:

ClinVar aggregate classification (germline): Pathogenic. Review status: criteria provided, multiple submitters, no conflicts (2 of 4 stars). 3 submissions from 3 submitters: Pathogenic (3). Last evaluated 2024-10-30.

Conditions:
Multiple congenital exostosis (EXT). Also called: MULTIPLE CARTILAGINOUS EXOSTOSES; Multiple exostoses; Multiple osteochondromas; Hereditary multiple osteochondromas; Hereditary multiple exostoses; Hereditary multiple exostosis. Identifiers: Orphanet 321, MedGen C0015306, MONDO:0005508, HP:0002762.
Exostoses, multiple, type 1 (EXT1). Also called: Hereditary Multiple Osteochondromatosis, Type I; EXOSTOSES, MULTIPLE, TYPE I. Identifiers: MedGen CN263289, MONDO:0007585, OMIM 133700.

Submissions (4):

3billion
Classification: Pathogenic for Exostoses, multiple, type 1. Last evaluated: 2024-10-30. Review status: criteria provided, single submitter. Criteria: ACMG Guidelines, 2015. Collection method: clinical testing. Allele origin: germline. Affected: yes.
Comment: The variant is not observed in the gnomAD v4.1.0 dataset. Predicted Consequence/Location: Canonical splice site: predicted to alter splicing and result in a loss or disruption of normal protein function. Multiple pathogenic loss-of-function variants are reported downstream of the variant. In silico tools predict the variant to alter splicing and produce an abnormal transcript [SpliceAI: 0.99 (spliceogenicity >=0.2, non-spliceogenicity <0.1)]. The variant has been reported at least twice as pathogenic without evidence for the classification (ClinVar ID: VCV001208138 /PMID: 19810120). Therefore, this variant is classified as Pathogenic according to the recommendation of ACMG/AMP guideline.

Labcorp Genetics (formerly Invitae), Labcorp
Classification: Pathogenic for Multiple congenital exostosis. Last evaluated: 2023-09-08. Review status: criteria provided, single submitter. Criteria: Invitae Variant Classification Sherloc (09022015). Collection method: clinical testing. Allele origin: germline.
Comment: This sequence change affects a donor splice site in intron 6 of the EXT1 gene. It is expected to disrupt RNA splicing. Variants that disrupt the donor or acceptor splice site typically lead to a loss of protein function (PMID: 16199547), and loss-of-function variants in EXT1 are known to be pathogenic (PMID: 10679937, 11391482, 19810120). This variant is not present in population databases (gnomAD no frequency). Disruption of this splice site has been observed in individual(s) with multiple osteochondromatosis (PMID: 16283885). ClinVar contains an entry for this variant (Variation ID: 1208138). Algorithms developed to predict the effect of sequence changes on RNA splicing suggest that this variant may disrupt the consensus splice site. For these reasons, this variant has been classified as Pathogenic.

GeneDx
Classification: Pathogenic. Last evaluated: 2021-06-22. Review status: criteria provided, single submitter. Criteria: GeneDx Variant Classification Process June 2021. Collection method: clinical testing. Allele origin: germline. Affected: yes.
Comment: Identified in relation to multiple osteochondromas in published literature (Jennes et al., 2009) but additional evidence is not available; Canonical splice site variant predicted to result in a null allele in a gene for which loss-of-function is a known mechanism of disease; Not observed in large population cohorts (Lek et al., 2016); This variant is associated with the following publications: (PMID: 19810120)

Dr. Peter K. Rogan Lab, Western University
No classification provided (evidence only). Condition: Colon adenocarcinoma. Review status: no classification provided. Collection method: in vitro. Allele origin: not applicable. Functional consequence: retained intron. Not counted in ClinVar's aggregate classification.

Literature cited by the submitters: PubMed 19810120 (cited by 3billion and Labcorp Genetics (formerly Invitae), Labcorp); PubMed 16199547 (cited by Labcorp Genetics (formerly Invitae), Labcorp); PubMed 10679937 (cited by Labcorp Genetics (formerly Invitae), Labcorp); PubMed 11391482 (cited by Labcorp Genetics (formerly Invitae), Labcorp); PubMed 16283885 (cited by Labcorp Genetics (formerly Invitae), Labcorp).

NM_000127.3(EXT1):c.1536+1G>A

Gene: EXT1 (exostosin glycosyltransferase 1; minus strand). Cytogenetic location: 8q24.11.
Variant type: single nucleotide variant.
Coding change: c.1536+1G>A on transcript NM_000127.3 (MANE Select); the canonical splice donor site of the intron after coding-DNA position 1536, G replaced by A.
Molecular consequence: splice donor variant.
Genome position (GRCh38, 1-based): chr8:117,819,675, C>T on the plus strand (G>A on the coding strand, the complement: EXT1 is on the minus strand). VCF-style: chr8-117819675-C-T. GRCh37 (hg19) VCF-style: chr8-118831914-C-T.
Identifiers: ClinVar variation 1208138 (VCV001208138.8), dbSNP rs1811889441, ClinGen allele CA371884390.